The following is an entry in ClinVar:

NM_003036.4(SKI):c.1163C>T (p.Ala388Val)

Gene: SKI (SKI proto-oncogene; plus strand). Cytogenetic location: 1p36.32.
Variant type: single nucleotide variant.
Coding change: c.1163C>T on transcript NM_003036.4 (MANE Select); coding-DNA position 1163, C replaced by T.
Protein change: p.Ala388Val; replaces alanine 388 with valine.
Molecular consequence: missense variant.
Genome position (GRCh38, 1-based): chr1:2,303,352, C>T. VCF-style: chr1-2303352-C-T. GRCh37 (hg19) VCF-style: chr1-2234791-C-T.
Other names: p.A388V:GCG>GTG; short protein forms A388V.
Identifiers: ClinVar variation 213668 (VCV000213668.65), dbSNP rs75280988, ClinGen allele CA323401.
Genomic context (GRCh38, chr1:2,303,352, plus strand): 5'-GCTGTGTTCACCCTCGCCAGCGCCTCTCTGCTTTCCGACCCTGGTCCCCCGCAGTGTCAG[C>T]GAGTGAGAAAGAGCTCTCCCCACACCTCCCGGCCCTCATCCGAGACAGGTGAGTGGGCGC-3'
Protein context (NP_003027.1, residues 378-398): AFRPWSPAVS[Ala388Val]SEKELSPHLP

ClinVar aggregate classification (germline): Benign/Likely benign. Review status: criteria provided, multiple submitters, no conflicts (2 of 4 stars). 16 submissions from 16 submitters: Benign (7); Likely benign (6). 3 of the submissions do not count toward it. Last evaluated 2026-09-01.

Conditions:
Familial thoracic aortic aneurysm and aortic dissection (TAAD). Also called: Thoracic aortic aneurysms and dissections. Identifiers: Orphanet 91387, MedGen C4707243, MONDO:0019625.
Shprintzen-Goldberg syndrome (SGS). Also called: Marfanoid disorder with craniosynostosis type 1; Marfanoid craniosynostosis syndrome; Shprintzen-Goldberg marfanoid syndrome; SHPRINTZEN-GOLDBERG CRANIOSYNOSTOSIS SYNDROME; CRANIOSYNOSTOSIS WITH ARACHNODACTYLY AND ABDOMINAL HERNIAS. Identifiers: Orphanet 2462, MedGen C1321551, MONDO:0008426, OMIM 182212.

Allele frequency attached by ClinVar (database versions not stated): 1000 Genomes Project 30x 0.00172; 1000 Genomes Project 0.00180; ExAC 0.00385; gnomAD 0.00403 and 0.00410; ESP Exome Variant Server 0.00408; gnomAD exomes 0.00427 and 0.00582; TOPMed 0.00482.
gnomAD v4.1: 9,155 of 1,613,740 alleles (0.57%); highest among the groups gnomAD compares: Non-Finnish European, 0.66%; 44 homozygotes.

Submissions (31):

CeGaT Center for Human Genetics Tuebingen
Classification: Likely benign. Last evaluated: 2026-09-01. Review status: criteria provided, single submitter. Criteria: CeGaT Center For Human Genetics Tuebingen Variant Classification Criteria Version 2. Collection method: clinical testing. Allele origin: germline. Affected: yes. Observed: 54 variant alleles.
Comment: SKI: BS2

Labcorp Genetics (formerly Invitae), Labcorp
Classification: Benign for Shprintzen-Goldberg syndrome. Last evaluated: 2026-02-03. Review status: criteria provided, single submitter. Criteria: Invitae Variant Classification Sherloc (09022015). Collection method: clinical testing. Allele origin: germline.

ARUP Laboratories, Molecular Genetics and Genomics, ARUP Laboratories
Classification: Benign for Shprintzen-Goldberg syndrome. Last evaluated: 2025-06-05. Review status: criteria provided, single submitter. Criteria: ARUP Molecular Germline Variant Investigation Process 2024. Collection method: clinical testing. Allele origin: germline.

Molecular Diagnostic Laboratory for Inherited Cardiovascular Disease, Montreal Heart Institute
Classification: Benign. Last evaluated: 2025-04-09. Review status: criteria provided, single submitter. Criteria: ACMG Guidelines, 2015. Collection method: clinical testing. Allele origin: germline. Affected: no.
Comment: BS1; BP4;BP6

Blueprint Genetics
Classification: Likely benign. Last evaluated: 2024-11-25. Review status: criteria provided, single submitter. Criteria: ACMG Guidelines, 2015. Collection method: clinical testing. Allele origin: germline.

Mayo Clinic Laboratories, Mayo Clinic
Classification: Benign. Last evaluated: 2024-10-01. Review status: criteria provided, single submitter. Criteria: ACMG Guidelines, 2015. Collection method: clinical testing. Allele origin: germline. Observed: 21 variant alleles.
Comment: BS1, BS2, BP4

Women's Health and Genetics/Laboratory Corporation of America, LabCorp
Classification: Likely benign. Last evaluated: 2023-07-29. Review status: criteria provided, single submitter. Criteria: LabCorp Variant Classification Summary - May 2015. Collection method: clinical testing. Allele origin: germline.

Mendelics
Classification: Likely benign for Shprintzen-Goldberg syndrome. Last evaluated: 2019-05-28. Review status: criteria provided, single submitter. Criteria: Mendelics Assertion Criteria 2017. Collection method: clinical testing. Allele origin: unknown.

Ambry Genetics
Classification: Benign for Familial thoracic aortic aneurysm and aortic dissection. Last evaluated: 2017-07-17. Review status: criteria provided, single submitter. Criteria: Ambry Variant Classification Scheme 2023. Collection method: clinical testing. Allele origin: germline.

Center for Pediatric Genomic Medicine, Children's Mercy Hospital and Clinics
Classification: Likely benign. Last evaluated: 2017-01-26. Review status: criteria provided, single submitter. Criteria: ACMG Guidelines, 2015. Collection method: clinical testing. Allele origin: germline.
ClinVar note: Converted during submission from Likely Benign to Likely benign.

GeneDx
Classification: Benign. Last evaluated: 2016-08-19. Review status: criteria provided, single submitter. Criteria: GeneDx Variant Classification (06012015). Collection method: clinical testing. Allele origin: germline. Affected: yes.
Comment: This variant is considered likely benign or benign based on one or more of the following criteria: it is a conservative change, it occurs at a poorly conserved position in the protein, it is predicted to be benign by multiple in silico algorithms, and/or has population frequency not consistent with disease.

Breakthrough Genomics
Classification: Likely benign. Review status: criteria provided, single submitter. Criteria: ACMG Guidelines, 2015. Collection method: not provided. Allele origin: germline. Inheritance: Autosomal dominant inheritance. Affected: yes.

PreventionGenetics, part of Exact Sciences
Classification: Benign. Review status: criteria provided, single submitter. Criteria: ACMG Guidelines, 2015. Collection method: clinical testing. Allele origin: germline.

Clinical Genetics DNA and cytogenetics Diagnostics Lab, Erasmus MC, Erasmus Medical Center
Classification: Benign. Review status: no assertion criteria provided. Collection method: clinical testing. Allele origin: germline. Affected: yes. Study: VKGL Data-share Consensus. Not counted in ClinVar's aggregate classification.

Dr. Peter K. Rogan Lab, Western University
No classification provided (evidence only). Condition: Clear cell carcinoma of kidney. Review status: no classification provided. Collection method: in vitro. Allele origin: not applicable. Functional consequence: retained intron. Not counted in ClinVar's aggregate classification.

Dr. Peter K. Rogan Lab, Western University
No classification provided (evidence only). Condition: Clear cell carcinoma of kidney. Review status: no classification provided. Collection method: in vitro. Allele origin: not applicable. Functional consequence: retained intron. Not counted in ClinVar's aggregate classification.

Dr. Peter K. Rogan Lab, Western University
No classification provided (evidence only). Condition: Clear cell carcinoma of kidney. Review status: no classification provided. Collection method: in vitro. Allele origin: not applicable. Functional consequence: retained intron. Not counted in ClinVar's aggregate classification.

Dr. Peter K. Rogan Lab, Western University
No classification provided (evidence only). Condition: Clear cell carcinoma of kidney. Review status: no classification provided. Collection method: in vitro. Allele origin: not applicable. Functional consequence: retained intron. Not counted in ClinVar's aggregate classification.

Dr. Peter K. Rogan Lab, Western University
No classification provided (evidence only). Condition: Acute myeloid leukemia. Review status: no classification provided. Collection method: in vitro. Allele origin: not applicable. Functional consequence: retained intron. Not counted in ClinVar's aggregate classification.

Dr. Peter K. Rogan Lab, Western University
No classification provided (evidence only). Condition: Colon adenocarcinoma. Review status: no classification provided. Collection method: in vitro. Allele origin: not applicable. Functional consequence: retained intron. Not counted in ClinVar's aggregate classification.

Dr. Peter K. Rogan Lab, Western University
No classification provided (evidence only). Condition: Thymoma. Review status: no classification provided. Collection method: in vitro. Allele origin: not applicable. Functional consequence: retained intron. Not counted in ClinVar's aggregate classification.

Dr. Peter K. Rogan Lab, Western University
No classification provided (evidence only). Condition: Ovarian serous cystadenocarcinoma. Review status: no classification provided. Collection method: in vitro. Allele origin: not applicable. Functional consequence: retained intron. Not counted in ClinVar's aggregate classification.

Dr. Peter K. Rogan Lab, Western University
No classification provided (evidence only). Condition: Ovarian serous cystadenocarcinoma. Review status: no classification provided. Collection method: in vitro. Allele origin: not applicable. Functional consequence: retained intron. Not counted in ClinVar's aggregate classification.

Dr. Peter K. Rogan Lab, Western University
No classification provided (evidence only). Condition: Ovarian serous cystadenocarcinoma. Review status: no classification provided. Collection method: in vitro. Allele origin: not applicable. Functional consequence: retained intron. Not counted in ClinVar's aggregate classification.

Dr. Peter K. Rogan Lab, Western University
No classification provided (evidence only). Condition: Gastric cancer. Review status: no classification provided. Collection method: in vitro. Allele origin: not applicable. Functional consequence: retained intron. Not counted in ClinVar's aggregate classification.

Dr. Peter K. Rogan Lab, Western University
No classification provided (evidence only). Condition: Gastric cancer. Review status: no classification provided. Collection method: in vitro. Allele origin: not applicable. Functional consequence: retained intron. Not counted in ClinVar's aggregate classification.

Dr. Peter K. Rogan Lab, Western University
No classification provided (evidence only). Condition: Gastric cancer. Review status: no classification provided. Collection method: in vitro. Allele origin: not applicable. Functional consequence: retained intron. Not counted in ClinVar's aggregate classification.

Dr. Peter K. Rogan Lab, Western University
No classification provided (evidence only). Condition: Gastric cancer. Review status: no classification provided. Collection method: in vitro. Allele origin: not applicable. Functional consequence: retained intron. Not counted in ClinVar's aggregate classification.

Dr. Peter K. Rogan Lab, Western University
No classification provided (evidence only). Condition: Malignant tumor of esophagus. Review status: no classification provided. Collection method: in vitro. Allele origin: not applicable. Functional consequence: retained intron. Not counted in ClinVar's aggregate classification.

Genome Diagnostics Laboratory, University Medical Center Utrecht
Classification: Likely benign. Review status: no assertion criteria provided. Collection method: clinical testing. Allele origin: germline. Affected: yes. Study: VKGL Data-share Consensus. Not counted in ClinVar's aggregate classification.

Laboratory of Diagnostic Genome Analysis, Leiden University Medical Center (LUMC)
Classification: Likely benign. Review status: no assertion criteria provided. Collection method: clinical testing. Allele origin: germline. Affected: yes. Study: VKGL Data-share Consensus. Not counted in ClinVar's aggregate classification.

Literature cited by the submitters: PubMed 16327884 (cited by Mayo Clinic Laboratories, Mayo Clinic); PubMed 20981092 (cited by Mayo Clinic Laboratories, Mayo Clinic); PubMed 26854089 (cited by Mayo Clinic Laboratories, Mayo Clinic).